The following is an entry in ClinVar:

ClinVar aggregate classification (germline): Uncertain significance (1 of 4 stars; one submission).

Conditions:
POLD1-related polyposis and colorectal cancer syndrome (CRCS10). Also called: Colorectal cancer 10; COLORECTAL CANCER, SUSCEPTIBILITY TO, ON CHROMOSOME 19q; Colorectal cancer, susceptibility to, 10. Identifiers: Orphanet 220460, MedGen C2675481, MONDO:0012953, OMIM 612591.

Submission:

Labcorp Genetics (formerly Invitae), Labcorp
Classification: Uncertain significance for POLD1-related polyposis and colorectal cancer syndrome. Last evaluated: 2019-05-14. Review status: criteria provided, single submitter. Criteria: Invitae Variant Classification Sherloc (09022015). Collection method: clinical testing. Allele origin: germline.
Comment: In summary, the available evidence is currently insufficient to determine the role of this variant in disease. Therefore, it has been classified as a Variant of Uncertain Significance. This variant has not been reported in the literature in individuals with POLD1-related disease. This variant is not present in population databases (ExAC no frequency). This sequence change replaces alanine with threonine at codon 18 of the POLD1 protein (p.Ala18Thr). The alanine residue is weakly conserved and there is a small physicochemical difference between alanine and threonine.

NM_002691.4(POLD1):c.52G>A (p.Ala18Thr)

Gene: POLD1 (DNA polymerase delta 1, catalytic subunit; plus strand). Cytogenetic location: 19q13.33.
Variant type: single nucleotide variant.
Coding change: c.52G>A on transcript NM_002691.4 (MANE Select); coding-DNA position 52, G replaced by A.
Protein change: p.Ala18Thr; replaces alanine 18 with threonine.
Molecular consequence: missense variant. On other transcripts: non-coding transcript variant (1).
Genome position (GRCh38, 1-based): chr19:50,398,903, G>A. VCF-style: chr19-50398903-G-A. GRCh37 (hg19) VCF-style: chr19-50902160-G-A.
Other names: c.52G>A, p.Ala18Thr (NM_001256849.1, NM_001308632.1); short protein forms A18T.
Identifiers: ClinVar variation 578732 (VCV000578732.8), dbSNP rs1568614680, ClinGen allele CA406970044.
Genomic context (GRCh38, chr19:50,398,903, plus strand): 5'-CCCAGCAGGATGGATGGCAAGCGGCGGCCAGGCCCAGGGCCCGGGGTGCCCCCAAAGCGG[G>A]CCCGTGGGGGCCTCTGGGATGATGATGATGCACCTCGGCCATCCCAATTCGAGGAGGACC-3'
Protein context (NP_002682.2, residues 8-28): GPGPGVPPKR[Ala18Thr]RGGLWDDDDA